The following is an entry in ClinVar:

NM_130384.3(ATRIP):c.1267G>A (p.Val423Ile)

Genes: ATRIP (ATR interacting protein; plus strand), ATRIP-TREX1 (ATRIP-TREX1 readthrough; plus strand). Cytogenetic location: 3p21.31.
Variant type: single nucleotide variant.
Coding change: c.1267G>A on transcript NM_130384.3 (MANE Select); coding-DNA position 1267, G replaced by A.
Protein change: p.Val423Ile; replaces valine 423 with isoleucine.
Molecular consequence: missense variant. On other transcripts: non-coding transcript variant (1).
Genome position (GRCh38, 1-based): chr3:48,460,321, G>A. VCF-style: chr3-48460321-G-A. GRCh37 (hg19) VCF-style: chr3-48501720-G-A.
Other names: c.886G>A, p.Val296Ile (NM_001271022.2); c.988G>A, p.Val330Ile (NM_001271023.2); c.1267G>A, p.Val423Ile (NM_032166.4); short protein forms V330I, V296I, V423I.
Identifiers: ClinVar variation 4181995 (VCV004181995.1).

ClinVar aggregate classification (germline): Uncertain significance (1 of 4 stars; one submission).

Submission:

Ambry Genetics
Classification: Uncertain significance. Last evaluated: 2025-07-06. Review status: criteria provided, single submitter. Criteria: Ambry Variant Classification Scheme 2023. Collection method: clinical testing. Allele origin: germline.
Comment: The p.V423I variant (also known as c.1267G>A), located in coding exon 8 of the ATRIP gene, results from a G to A substitution at nucleotide position 1267. The valine at codon 423 is replaced by isoleucine, an amino acid with highly similar properties. This amino acid position is conserved. In addition, this alteration is predicted to be tolerated by in silico analysis. Based on the available evidence, the clinical significance of this variant remains unclear.